The following is an entry in ClinVar:

NM_001458.5(FLNC):c.5518T>A (p.Tyr1840Asn)

Genes: FLNC (filamin C; plus strand), FLNC-AS1 (FLNC antisense RNA 1; minus strand). Cytogenetic location: 7q32.1.
Variant type: single nucleotide variant.
Coding change: c.5518T>A on transcript NM_001458.5 (MANE Select); coding-DNA position 5518, T replaced by A.
Protein change: p.Tyr1840Asn; replaces tyrosine 1840 with asparagine.
Molecular consequence: missense variant.
Genome position (GRCh38, 1-based): chr7:128,850,922, T>A. VCF-style: chr7-128850922-T-A. GRCh37 (hg19) VCF-style: chr7-128490976-T-A.
Other names: c.5419T>A, p.Tyr1807Asn (NM_001127487.2); short protein forms Y1840N, Y1807N.
Identifiers: ClinVar variation 2188465 (VCV002188465.3), dbSNP rs1808781407, ClinGen allele CA369206994.

ClinVar aggregate classification (germline): Uncertain significance. Review status: criteria provided, multiple submitters, no conflicts (2 of 4 stars). 3 submissions from 3 submitters: Uncertain significance (3). Last evaluated 2026-04-22.

Conditions:
Hypertrophic cardiomyopathy 26. Also called: Cardiomyopathy, familial hypertrophic, 26. Identifiers: Orphanet 75249, MedGen C4310749, MONDO:0014883, OMIM 617047.
Distal myopathy with posterior leg and anterior hand involvement. Also called: WILLIAMS DISTAL MYOPATHY. Identifiers: Orphanet 63273, MedGen C3279722, MONDO:0013550, OMIM 614065.
Myofibrillar myopathy 5. Also called: Filaminopathy (type); FILAMINOPATHY, AUTOSOMAL DOMINANT. Identifiers: Orphanet 171445, MedGen C1836050, MONDO:0012289, OMIM 609524.
Dilated Cardiomyopathy, Dominant.
Cardiovascular phenotype. Identifiers: MedGen CN230736.

Allele frequency attached by ClinVar (database versions not stated): gnomAD exomes below 0.00001; TOPMed below 0.00001.
gnomAD v4.1: 3 of 1,613,178 alleles (0.00019%); highest among the groups gnomAD compares: Non-Finnish European, 0.00025%; no homozygotes.

Submissions (3):

GeneDx
Classification: Uncertain significance. Last evaluated: 2026-04-22. Review status: criteria provided, single submitter. Criteria: GeneDx Variant Classification Process June 2021. Collection method: clinical testing. Allele origin: germline.
Comment: Not observed at significant frequency in large population cohorts (gnomAD); In silico analysis supports that this missense variant has a deleterious effect on protein structure/function; Has not been previously published as pathogenic or benign to our knowledge

Ambry Genetics
Classification: Uncertain significance for Cardiovascular phenotype. Last evaluated: 2024-02-06. Review status: criteria provided, single submitter. Criteria: Ambry Variant Classification Scheme 2023. Collection method: clinical testing. Allele origin: germline.
Comment: The p.Y1840N variant (also known as c.5518T>A), located in coding exon 33 of the FLNC gene, results from a T to A substitution at nucleotide position 5518. The tyrosine at codon 1840 is replaced by asparagine, an amino acid with dissimilar properties. This amino acid position is conserved. In addition, this alteration is predicted to be deleterious by in silico analysis. Based on the available evidence, the clinical significance of this alteration remains unclear.

Labcorp Genetics (formerly Invitae), Labcorp
Classification: Uncertain significance for Distal myopathy with posterior leg and anterior hand involvement; Myofibrillar myopathy 5; Hypertrophic cardiomyopathy 26. Last evaluated: 2022-05-21. Review status: criteria provided, single submitter. Criteria: Invitae Variant Classification Sherloc (09022015). Collection method: clinical testing. Allele origin: germline.
Comment: This sequence change replaces tyrosine, which is neutral and polar, with asparagine, which is neutral and polar, at codon 1840 of the FLNC protein (p.Tyr1840Asn). This variant is not present in population databases (gnomAD no frequency). This variant has not been reported in the literature in individuals affected with FLNC-related conditions. Algorithms developed to predict the effect of missense changes on protein structure and function are either unavailable or do not agree on the potential impact of this missense change (SIFT: "Tolerated"; PolyPhen-2: "Probably Damaging"; Align-GVGD: "Class C0"). In summary, the available evidence is currently insufficient to determine the role of this variant in disease. Therefore, it has been classified as a Variant of Uncertain Significance.